The following is an entry in ClinVar:

ClinVar aggregate classification (germline): Uncertain significance (1 of 4 stars; one submission).

gnomAD v4.1: 1 of 1,572,336 alleles (0.000064%); highest among the groups gnomAD compares: Admixed American, 0.0018%; no homozygotes.

Submission:

Labcorp Genetics (formerly Invitae), Labcorp
Classification: Uncertain significance. Last evaluated: 2024-07-08. Review status: criteria provided, single submitter. Criteria: Invitae Variant Classification Sherloc (09022015). Collection method: clinical testing. Allele origin: germline.
Comment: This sequence change replaces proline, which is neutral and non-polar, with serine, which is neutral and polar, at codon 471 of the LTBP2 protein (p.Pro471Ser). This variant is not present in population databases (gnomAD no frequency). This variant has not been reported in the literature in individuals affected with LTBP2-related conditions. ClinVar contains an entry for this variant (Variation ID: 1941739). An algorithm developed to predict the effect of missense changes on protein structure and function (PolyPhen-2) suggests that this variant is likely to be disruptive. In summary, the available evidence is currently insufficient to determine the role of this variant in disease. Therefore, it has been classified as a Variant of Uncertain Significance.

NM_000428.3(LTBP2):c.1411C>T (p.Pro471Ser)

Gene: LTBP2 (latent transforming growth factor beta binding protein 2; minus strand). Cytogenetic location: 14q24.3.
Variant type: single nucleotide variant.
Coding change: c.1411C>T on transcript NM_000428.3 (MANE Select); coding-DNA position 1411, C replaced by T.
Protein change: p.Pro471Ser; replaces proline 471 with serine.
Molecular consequence: missense variant.
Genome position (GRCh38, 1-based): chr14:74,551,339, G>A on the plus strand (C>T on the coding strand, the complement: LTBP2 is on the minus strand). VCF-style: chr14-74551339-G-A. GRCh37 (hg19) VCF-style: chr14-75018042-G-A.
Other names: short protein forms P471S.
Identifiers: ClinVar variation 1941739 (VCV001941739.4), dbSNP rs1367424588, ClinGen allele CA390399125.